The following is an entry in ClinVar:

NM_006440.5(TXNRD2):c.777A>T (p.Gln259His)

Gene: TXNRD2 (thioredoxin reductase 2; minus strand). Cytogenetic location: 22q11.21.
Variant type: single nucleotide variant.
Coding change: c.777A>T on transcript NM_006440.5 (MANE Select); coding-DNA position 777, A replaced by T.
Protein change: p.Gln259His; replaces glutamine 259 with histidine.
Molecular consequence: missense variant. On other transcripts: non-coding transcript variant (1).
Genome position (GRCh38, 1-based): chr22:19,895,579, T>A on the plus strand (A>T on the coding strand, the complement: TXNRD2 is on the minus strand). VCF-style: chr22-19895579-T-A. GRCh37 (hg19) VCF-style: chr22-19883102-T-A.
Other names: c.777A>T, p.Gln259His (NM_001282512.3); c.774A>T, p.Gln258His (NM_001352300.2); c.687A>T, p.Gln229His (NM_001352301.2); c.489A>T, p.Gln163His (NM_001352302.2); c.681A>T, p.Gln227His (NM_001352303.2); short protein forms Q163H, Q227H, Q229H, Q258H, Q259H.
Identifiers: ClinVar variation 3368096 (VCV003368096.1).

ClinVar aggregate classification (germline): Uncertain significance (1 of 4 stars; one submission).

gnomAD v4.1: 1 of 1,610,814 alleles (0.000062%); highest among the groups gnomAD compares: Non-Finnish European, 0.000085%; no homozygotes.

Submission:

GeneDx
Classification: Uncertain significance. Last evaluated: 2024-01-22. Review status: criteria provided, single submitter. Criteria: GeneDx Variant Classification Process June 2021. Collection method: clinical testing. Allele origin: germline. Affected: yes.
Comment: Has not been previously published as pathogenic or benign to our knowledge; Not observed at significant frequency in large population cohorts (gnomAD); In silico analysis supports that this missense variant has a deleterious effect on protein structure/function